The following is an entry in ClinVar:

ClinVar aggregate classification (germline): Uncertain significance. Review status: criteria provided, multiple submitters, no conflicts (2 of 4 stars). 2 submissions from 2 submitters: Uncertain significance (2). Last evaluated 2025-11-23.

Conditions:
Fanconi anemia (FA). Also called: Fanconi's anemia. Identifiers: Orphanet 84, MedGen C0015625, MeSH D005199, MONDO:0019391.
Fanconi anemia complementation group B (FANCB). Also called: FANCB-Related Fanconi Anemia; FANCONI PANCYTOPENIA, TYPE 2. Identifiers: Orphanet 84, MedGen C1845292, MONDO:0010351, OMIM 300514.

Allele frequency attached by ClinVar (database versions not stated): gnomAD 0.00001; gnomAD exomes 0.00001.
gnomAD v4.1: 15 of 1,204,711 alleles (0.0012%); highest among the groups gnomAD compares: Non-Finnish European, 0.0017%; no homozygotes.

Submissions (2):

Labcorp Genetics (formerly Invitae), Labcorp
Classification: Uncertain significance for Fanconi anemia. Last evaluated: 2025-11-23. Review status: criteria provided, single submitter. Criteria: Invitae Variant Classification Sherloc (09022015). Collection method: clinical testing. Allele origin: germline.
Comment: This sequence change replaces threonine, which is neutral and polar, with isoleucine, which is neutral and non-polar, at codon 38 of the FANCB protein (p.Thr38Ile). This variant is not present in population databases (gnomAD no frequency). This variant has not been reported in the literature in individuals affected with FANCB-related conditions. ClinVar contains an entry for this variant (Variation ID: 1438741). Invitae Evidence Modeling of protein sequence and biophysical properties (such as structural, functional, and spatial information, amino acid conservation, physicochemical variation, residue mobility, and thermodynamic stability) indicates that this missense variant is not expected to disrupt FANCB protein function with a negative predictive value of 80%. In summary, the available evidence is currently insufficient to determine the role of this variant in disease. Therefore, it has been classified as a Variant of Uncertain Significance.

Fulgent Genetics
Classification: Uncertain significance for Fanconi anemia complementation group B. Last evaluated: 2024-03-07. Review status: criteria provided, single submitter. Criteria: ACMG Guidelines, 2015. Collection method: clinical testing. Allele origin: germline.

NM_001018113.3(FANCB):c.113C>T (p.Thr38Ile)

Gene: FANCB (FA complementation group B; minus strand). Cytogenetic location: Xp22.2.
Variant type: single nucleotide variant.
Coding change: c.113C>T on transcript NM_001018113.3 (MANE Select); coding-DNA position 113, C replaced by T.
Protein change: p.Thr38Ile; replaces threonine 38 with isoleucine.
Molecular consequence: missense variant. On other transcripts: non-coding transcript variant (1).
Genome position (GRCh38, 1-based): chrX:14,865,398, G>A on the plus strand (C>T on the coding strand, the complement: FANCB is on the minus strand). VCF-style: chrX-14865398-G-A. GRCh37 (hg19) VCF-style: chrX-14883520-G-A.
Other names: c.113C>T, p.Thr38Ile (NM_001324162.2, NM_152633.4); short protein forms T38I.
Identifiers: ClinVar variation 1438741 (VCV001438741.7), dbSNP rs2092465105, ClinGen allele CA412445254.
Genomic context (GRCh38, chrX:14,865,398, plus strand): 5'-ACAAATACTTTTGTTCCTCTGTCAAATACCATTCTTCTGACATGTAATATGGGTGTTTTT[G>A]TAGGCTCTTTATCTGCAAAATTTCCTTTAGACAACTGGAAAACAAGGACTTCCCCATTAT-3'
Protein context (NP_001018123.1, residues 28-48): SKGNFADKEP[Thr38Ile]KTPILHVRRM